The following is an entry in ClinVar:

NM_000702.4(ATP1A2):c.118-3C>T

Gene: ATP1A2 (ATPase Na+/K+ transporting subunit alpha 2; plus strand). Cytogenetic location: 1q23.2.
Variant type: single nucleotide variant.
Coding change: c.118-3C>T on transcript NM_000702.4 (MANE Select); 3 bases into the intron before coding-DNA position 118, C replaced by T.
Molecular consequence: intron variant.
Genome position (GRCh38, 1-based): chr1:160,121,189, C>T. VCF-style: chr1-160121189-C-T. GRCh37 (hg19) VCF-style: chr1-160090979-C-T.
Identifiers: ClinVar variation 4885231 (VCV004885231.2).

ClinVar aggregate classification (germline): Uncertain significance (1 of 4 stars; one submission).

Submission:

Dasa
Classification: Uncertain significance. Last evaluated: 2025-10-07. Review status: criteria provided, single submitter. Criteria: DASA Assertion Criteria. Collection method: clinical testing. Allele origin: germline.
Comment: NM_000702.4(ATP1A2):c.118-3C>T is a splice-region variant predicted to affect normal RNA splicing. This variant is absent from population databases. The currently available literature and clinical evidence are not sufficient to establish a definitive association between this variant and the reported condition. Therefore, this variant is classified as a variant of uncertain significance.